The following is an entry in ClinVar:

NM_032806.6(POMGNT2):c.511G>A (p.Asp171Asn)

Gene: POMGNT2 (protein O-linked mannose N-acetylglucosaminyltransferase 2 (beta 1,4-); minus strand). Cytogenetic location: 3p22.1.
Variant type: single nucleotide variant.
Coding change: c.511G>A on transcript NM_032806.6 (MANE Select); coding-DNA position 511, G replaced by A.
Protein change: p.Asp171Asn; replaces aspartic acid 171 with asparagine.
Molecular consequence: missense variant.
Genome position (GRCh38, 1-based): chr3:43,080,921, C>T on the plus strand (G>A on the coding strand, the complement: POMGNT2 is on the minus strand). VCF-style: chr3-43080921-C-T. GRCh37 (hg19) VCF-style: chr3-43122413-C-T.
Other names: short protein forms D171N.
Identifiers: ClinVar variation 627559 (VCV000627559.12), dbSNP rs768063378, ClinGen allele CA2340052.

ClinVar aggregate classification (germline): Conflicting classifications of pathogenicity. Review status: criteria provided, conflicting classifications (1 of 4 stars). 4 submissions from 4 submitters: Pathogenic (2); Likely pathogenic (1); Uncertain significance (1). Last evaluated 2025-12-01.

Conditions:
Muscular dystrophy-dystroglycanopathy (congenital with brain and eye anomalies), type a, 8 (MDDGA8). Also called: WALKER-WARBURG SYNDROME OR MUSCLE-EYE-BRAIN DISEASE, GTDC2-RELATED. Identifiers: Orphanet 899, MedGen C3553813, MONDO:0013904, OMIM 614830.
Muscular dystrophy-dystroglycanopathy (limb-girdle), type C, 8. Also called: MUSCULAR DYSTROPHY, LIMB-GIRDLE, AUTOSOMAL RECESSIVE 24; MUSCULAR DYSTROPHY-DYSTROGLYCANOPATHY, LIMB-GIRDLE, POMGNT2-RELATED. Identifiers: MedGen C4748320, MONDO:0029135, OMIM 618135.

Allele frequency attached by ClinVar (database versions not stated): ExAC 0.00001; gnomAD 0.00001; gnomAD exomes 0.00001; TOPMed 0.00002.

Submissions (4):

Labcorp Genetics (formerly Invitae), Labcorp
Classification: Pathogenic for Muscular dystrophy-dystroglycanopathy (congenital with brain and eye anomalies), type a, 8. Last evaluated: 2025-12-01. Review status: criteria provided, single submitter. Criteria: Invitae Variant Classification Sherloc (09022015). Collection method: clinical testing. Allele origin: germline.
Comment: This sequence change replaces aspartic acid, which is acidic and polar, with asparagine, which is neutral and polar, at codon 171 of the POMGNT2 protein (p.Asp171Asn). This variant is present in population databases (rs768063378, gnomAD 0.003%). This missense change has been observed in individual(s) with clinical features of POMGNT2-related conditions (PMID: 32570172; internal data). In at least one individual the data is consistent with being in trans (on the opposite chromosome) from a pathogenic variant. ClinVar contains an entry for this variant (Variation ID: 627559). Invitae Evidence Modeling of protein sequence and biophysical properties (such as structural, functional, and spatial information, amino acid conservation, physicochemical variation, residue mobility, and thermodynamic stability) indicates that this missense variant is expected to disrupt POMGNT2 protein function with a positive predictive value of 80%. For these reasons, this variant has been classified as Pathogenic.

3billion
Classification: Likely pathogenic for Muscular dystrophy-dystroglycanopathy (congenital with brain and eye anomalies), type a, 8. Last evaluated: 2024-12-03. Review status: criteria provided, single submitter. Criteria: ACMG Guidelines, 2015. Collection method: clinical testing. Allele origin: germline. Affected: yes.
Comment: The variant is observed at an extremely low frequency in the gnomAD v4.1.0 dataset (total allele frequency: <0.001%). Predicted Consequence/Location: Missense variant. The majority of the known disease-causing variants of this gene are variants expected to result in premature termination of the protein. In silico tool predictions suggest damaging effect of the variant on gene or gene product [REVEL: 0.66 (>=0.6, sensitivity 0.68 and specificity 0.92); 3Cnet: 0.95 (>=0.6, sensitivity 0.72 and precision 0.9)]. The same nucleotide change resulting in the same amino acid change has been previously reported as pathogenic/likely pathogenic with strong evidence (ClinVar ID: VCV000627559 /PMID: 32570172 /3billion dataset). The variant has been reported to be in trans with a pathogenic variant as either compound heterozygous or homozygous in at least one similarly affected unrelated individual (PMID: 32570172). Therefore, this variant is classified as Likely pathogenic according to the recommendation of ACMG/AMP guideline.

GeneDx
Classification: Uncertain significance. Last evaluated: 2024-03-15. Review status: criteria provided, single submitter. Criteria: GeneDx Variant Classification Process June 2021. Collection method: clinical testing. Allele origin: germline. Affected: yes.
Comment: Not observed at significant frequency in large population cohorts (gnomAD); In silico analysis supports that this missense variant does not alter protein structure/function; This variant is associated with the following publications: (PMID: 32570172, 34301702)

Marco Cassone, Clinical geneticist
Classification: Pathogenic for Muscular dystrophy-dystroglycanopathy (limb-girdle), type C, 8. Last evaluated: 2019-02-11. Review status: criteria provided, single submitter. Criteria: ACMG Guidelines, 2015. Collection method: reference population. Allele origin: inherited. Inheritance: Autosomal recessive inheritance. Affected: yes. Observed: 1 homozygote.
Comment: MDDGC8. This condition was described for the first time in three male patients by Endo Y et al., (Milder forms of muscular dystrophy associated with POMGNT2 mutations. Neurol. Genet. 1: e33, 2015)

Literature cited by the submitters: PubMed 32570172 (cited by Labcorp Genetics (formerly Invitae), Labcorp and 3billion).